The following continues an entry in ClinVar:

NM_007294.4(BRCA1):c.5324T>G (p.Met1775Arg)

Gene: BRCA1. ClinVar aggregate classification (germline): Pathogenic. Pathogenic (1).

Submissions 10 to 17 of 29:

All of Us Research Program, National Institutes of Health
Classification: Pathogenic for BRCA1-related cancer predisposition. Last evaluated: 2024-06-07. Review status: criteria provided, single submitter. Criteria: ACMG Guidelines, 2015. Collection method: clinical testing. Allele origin: germline. Inheritance: Autosomal dominant inheritance. Observed: 1 variant allele, 1 heterozygote. Not counted in ClinVar's aggregate classification.
Comment: This missense variant replaces methionine with arginine at codon 1775 of the BRCA1 protein. Computational prediction suggests that this variant may have deleterious impact on protein structure and function (internally defined REVEL score threshold >= 0.7, PMID: 27666373). Functional studies have shown that this variant impacts BRCA1 function in homology-directed DNA repair, transcription activation, haploid cell proliferation and protease sensitivity and protein-protein binding assays (PMID: 8942979, 9738006, 11301010, 12427738, 15689452, 23161852, 30209399). This variant has been reported as a recurring mutation and detected in multiple individuals affected with breast and/or ovarian cancer (PMID: 7837387, 7939630, 18284688, 19491284, 20104584, 24240112, 26287763, 27469594, 29337092, 34204722). This variant also has been reported to segregate with disease in a large pedigree with 24 cases of breast and ovarian cancer (PMID: 7545954). This variant has been identified in 4/282786 chromosomes in the general population by the Genome Aggregation Database (gnomAD). Based on the available evidence, this variant is classified as Pathogenic.

This study involves interpretation of variants in research participants for the purpose of population health screening. Participant phenotype was not available at the time of variant classification. Additional details can be found in publication PMID: 35346344, PMCID: PMC8962531

Ambry Genetics
Classification: Pathogenic for Hereditary cancer-predisposing syndrome. Last evaluated: 2024-04-10. Review status: criteria provided, single submitter. Criteria: Ambry Variant Classification Scheme 2023. Collection method: clinical testing. Allele origin: germline. Not counted in ClinVar's aggregate classification.
Comment: The p.M1775R pathogenic mutation (also known as c.5324T>G), located in coding exon 19 of the BRCA1 gene, results from a T to G substitution at nucleotide position 5324. The methionine at codon 1775 is replaced by arginine, an amino acid with similar properties. One functional study found that this nucleotide substitution is deleterious in a high throughput genome editing haploid cell survival assay (Findlay GM et al. Nature. 2018 10;562(7726):217-222). Numerous other functional studies have also found this variant to be deleterious (Easton DF et al. Am. J. Hum. Genet. 2007 Nov;81:873-83; Lee MS et al. Cancer Res. 2010 Jun;70:4880-90; Lindor NM et al. Hum. Mutat. 2012 Jan;33:8-21; Vallee M et al. Hum. Mutat. 2012 Jan;33:22-8; Towler WI et al. Hum Mutat. 2013 Mar;34:439-45; Petitalot A et al. Mol Cancer Res. 2019 01;17:54-69). The p.M1775R alteration was also identified in a large, worldwide study of BRCA1/2 mutation-positive families (Rebbeck TR et al. Hum Mutat. 2018 05;39:593-620). This alteration is located in the highly conserved BRCT repeat domain of BRCA1 and has been shown to have a severe impact on normal BRCA1 function/activity (Carvalho M et al. Cancer Res. 2007 Feb;67:1494-501; Nikolopoulos G et al. Biochim. Biophys. Acta. 2007 Jun;1774:772-80). Of note, this alteration is also designated as 5443T>G in some published literature. This amino acid position is highly conserved in available vertebrate species. In addition, this alteration is predicted to be deleterious by in silico analysis. Based on the supporting evidence, this variant is interpreted as a disease-causing mutation.

Greenwood Genetic Center Diagnostic Laboratories, Greenwood Genetic Center
Classification: Pathogenic for BRCA1-related disorder. Last evaluated: 2024-03-28. Review status: criteria provided, single submitter. Criteria: ACMG Guidelines, 2015. Collection method: clinical testing. Allele origin: germline. Not counted in ClinVar's aggregate classification.
Comment: PS3, PS4, PP1

Baylor Genetics
Classification: Pathogenic for Breast-ovarian cancer, familial, susceptibility to, 1. Last evaluated: 2024-02-06. Review status: criteria provided, single submitter. Criteria: ACMG Guidelines, 2015. Collection method: clinical testing. Allele origin: unknown. Not counted in ClinVar's aggregate classification.

Quest Diagnostics Nichols Institute San Juan Capistrano
Classification: Pathogenic. Last evaluated: 2024-02-01. Review status: criteria provided, single submitter. Criteria: Quest Diagnostics criteria. Collection method: clinical testing. Allele origin: unknown. Not counted in ClinVar's aggregate classification.
Comment: The BRCA1 c.5324T>G (p.Met1775Arg) variant has been reported in the published literature in numerous individuals with breast and/or ovarian cancer (PMIDs: 33646313 (2021), 30322717 (2018), 27469594 (2016), 26287763 (2015), 22034289 (2012), 20104584 (2010), 19491284 (2009), 7939630 (1994)), and described to segregate with disease in one family (PMID: 7545954 (1994)). In addition, experimental studies showed this variant has deleterious effect on various BRCA1 protein functions (PMIDs: 23161852 (2013), 20516115 (2010), 17308087 (2007), 16786532 (2006), 15689452 (2005), 15133502 (2004)). The frequency of this variant in the general population, 0.00016 (4/24950 chromosomes (Genome Aggregation Database)), is uninformative in the assessment of its pathogenicity. Based on the available information, this variant is classified as pathogenic.

Laboratory for Molecular Medicine, Mass General Brigham Personalized Medicine
Classification: Pathogenic for Hereditary breast ovarian cancer syndrome. Last evaluated: 2023-11-09. Review status: criteria provided, single submitter. Criteria: ACMG Guidelines, 2015. Collection method: clinical testing. Allele origin: germline. Inheritance: Autosomal dominant inheritance. Not counted in ClinVar's aggregate classification.
Comment: The p.Met1775Arg variant in BRCA1 has been reported in >20 individuals with BRCA1-associated cancers, with a higher prevalence in those of African descent and segregated with disease in many affected relatives from a large family (Futreal 1994 PMID: 7939630, Miki 1994 PMID: 7545954, Hall 2009 PMID: 19241424, Fackenthal 2012 PMID: 22034289, Pal 2015 PMID: 26287763, BIC database). It has also been identified in 0.002% (1/41432) of African chromosomes by gnomAD (v.3.1.2). This frequency is low enough to be consistent with the frequency of hereditary breast and ovarian cancer (HBOC) in the general population. In vitro functional studies support an impact on protein function (Kawai 2002 PMID: 12400015, Caligo 2009 PMID: 18680205, Lee 2010 PMID: 20516115, Findlay 2018 PMID: 30209399) and computational prediction tools and conservation analysis suggest that the p.Met1775Arg variant may impact the protein. Additionally, this variant has been classified in ClinVar as Pathogenic on Aug 10, 2015 by the ClinGen-approved ENIGMA expert panel (Variation ID: 17694). In summary, this variant meets criteria to be classified as pathogenic for autosomal dominant HBOC. ACMG/AMP Criteria applied: PS4, PP1_Moderate, PM2_Supporting, PS3_Moderate, PP3.

GeneDx
Classification: Pathogenic. Last evaluated: 2022-05-20. Review status: criteria provided, single submitter. Criteria: GeneDx Variant Classification Process June 2021. Collection method: clinical testing. Allele origin: germline. Affected: yes. Not counted in ClinVar's aggregate classification.
Comment: Multifactorial studies suggest this variant is associated with hereditary breast and ovarian cancer (Lindor 2012); Published functional studies demonstrate a damaging effect: abolishes BRCA1 activity, including double strand break repair, transcription, and binding functions (Monteiro 1996, Kawai 2002, Williams 2003, Varma 2005, Towler 2013); Observed in many individuals with hereditary breast and ovarian cancer and has been reported as a recurrent variant in the African population (Futreal 1994, Miki 1994, Zhang 2012, Donenberg 2016); In silico analysis supports that this missense variant has a deleterious effect on protein structure/function; Not observed at significant frequency in large population cohorts (gnomAD); Also known as 5443T>G; This variant is associated with the following publications: (PMID: 21666281, 19493677, 25782689, 17305420, 17308087, 16101277, 15133503, 15967981, 22739995, 26287763, 27495310, 23994874, 22646717, 21447777, 21520273, 8872468, 21922593, 18680205, 15235020, 7939630, 23161852, 12400015, 12427738, 16452482, 8942979, 20516115, 20737206, 11301010, 15133502, 17005433, 17063491, 1749388, 15689452, 16786532, 14729053, 20378548, 27469594, 7545954, 16528612, 27272900, 26681312, 28398198, 25085752, 29337092, 29106372, 28781887, 30209399, 29446198, 31343793, 33087888, 33087929, 30322717, 30765603, 31998812, 30787465, 33646313, 21990134)

ARUP Laboratories, Molecular Genetics and Genomics, ARUP Laboratories
Classification: Pathogenic. Last evaluated: 2021-01-20. Review status: criteria provided, single submitter. Criteria: ARUP Molecular Germline Variant Investigation Process 2021. Collection method: clinical testing. Allele origin: germline. Not counted in ClinVar's aggregate classification.
Comment: The BRCA1 c.5324T>G; p.Met1775Arg variant (rs41293463), also known as 5443T>G for traditional nomenclature, is reported in the literature in several individuals and families with hereditary breast and ovarian cancer syndrome (Carter 2018, Futreal 1994, Miki 1994), and shown to co-segregate with disease in at least one family (Miki 1994). Functional analyses of the variant protein show reduced protein stability and a severe impact on BRCA1 function (Caligo 2009, Fernandes 2019, Lee 2010, Towler 2013, Williams 2003). This variant is classified as pathogenic by an expert review panel in ClinVar (Variation ID: 17694). This variant is found in the general population with an overall allele frequency of 0.001% (4/282786 alleles) in the Genome Aggregation Database. The methionine at codon 1775 is located in the highly conserved BRCT repeat domain of BRCA1, and computational analyses predict that this variant is deleterious (REVEL: 0.728). Based on available information, this variant is considered to be pathogenic. References: Caligo MA et al. A yeast recombination assay to characterize human BRCA1 missense variants of unknown pathological significance. Hum Mutat. 2009 Jan;30(1):123-33. Carter NJ et al. Germline pathogenic variants identified in women with ovarian tumors. Gynecol Oncol. 2018 Dec;151(3):481-488. Fernandes VC et al. Impact of amino acid substitutions at secondary structures in the BRCT domains of the tumor suppressor BRCA1: Implications for clinical annotation. J Biol Chem. 2019 Apr 12;294(15):5980-5992. Futreal PA et al. BRCA1 mutations in primary breast and ovarian carcinomas. Science. 1994 Oct 7;266(5182):120-2. Lee MS et al. Comprehensive analysis of missense variations in the BRCT domain of BRCA1 by structural and functional assays. Cancer Res. 2010 Jun 15;70(12):4880-90. Miki Y et al. A strong candidate for the breast and ovarian cancer susceptibility gene BRCA1. Science. 1994 Oct 7;266(5182):66-71. Towler WI et al. Analysis of BRCA1 variants in double-strand break repair by homologous recombination and single-strand annealing. Hum Mutat. 2013 Mar;34(3):439-45. Williams RS et al. Detection of protein folding defects caused by BRCA1-BRCT truncation and missense mutations. J Biol Chem. 2003 Dec 26;278(52):53007-16.